The following is an entry in ClinVar:

NM_001297.5(CNGB1):c.1472C>T (p.Pro491Leu)

Gene: CNGB1 (cyclic nucleotide gated channel subunit beta 1; minus strand). Cytogenetic location: 16q21.
Variant type: single nucleotide variant.
Coding change: c.1472C>T on transcript NM_001297.5 (MANE Select); coding-DNA position 1472, C replaced by T.
Protein change: p.Pro491Leu; replaces proline 491 with leucine.
Molecular consequence: missense variant.
Genome position (GRCh38, 1-based): chr16:57,931,779, G>A on the plus strand (C>T on the coding strand, the complement: CNGB1 is on the minus strand). VCF-style: chr16-57931779-G-A. GRCh37 (hg19) VCF-style: chr16-57965683-G-A.
Other names: c.1454C>T, p.Pro485Leu (NM_001286130.2); c.1472C>T (NM_001297.4); short protein forms P485L, P491L.
Identifiers: ClinVar variation 1009852 (VCV001009852.12), dbSNP rs199960733, ClinGen allele CA8083420.

ClinVar aggregate classification (germline): Conflicting classifications of pathogenicity. Review status: criteria provided, conflicting classifications (1 of 4 stars). 4 submissions from 4 submitters: Uncertain significance (2); Likely benign (2). Last evaluated 2026-02-24.

Conditions:
Inborn genetic diseases. Identifiers: MedGen C0950123, MeSH D030342.
CNGB1-related disorder. Also called: CNGB1-related condition.

Allele frequency attached by ClinVar (database versions not stated): ExAC 0.00010; gnomAD 0.00025 and 0.00029; TOPMed 0.00029; ESP Exome Variant Server 0.00032.
gnomAD v4.1: 110 of 1,614,022 alleles (0.0068%); highest among the groups gnomAD compares: African/African-American, 0.077%; no homozygotes.

Submissions (4):

PreventionGenetics, part of Exact Sciences
Classification: Uncertain significance for CNGB1-related condition. Last evaluated: 2026-02-24. Review status: criteria provided, single submitter. Criteria: ACMG Guidelines, 2015. Collection method: clinical testing. Allele origin: germline.
Comment: The CNGB1 c.1472C>T variant is predicted to result in the amino acid substitution p.Pro491Leu. To our knowledge, this variant has not been reported in the literature. This variant is reported in 0.066% of alleles in individuals of African descent in gnomAD. which may be too frequent to be a primary cause of disease. Although we suspect that this variant may be benign, at this time, the clinical significance of this variant is uncertain due to the absence of conclusive functional and genetic evidence.

Labcorp Genetics (formerly Invitae), Labcorp
Classification: Likely benign. Last evaluated: 2025-11-12. Review status: criteria provided, single submitter. Criteria: Invitae Variant Classification Sherloc (09022015). Collection method: clinical testing. Allele origin: germline.

Ambry Genetics
Classification: Likely benign for Inborn genetic diseases. Last evaluated: 2022-10-03. Review status: criteria provided, single submitter. Criteria: Ambry Variant Classification Scheme 2023. Collection method: clinical testing. Allele origin: germline.

Blueprint Genetics
Classification: Uncertain significance. Last evaluated: 2022-09-28. Review status: criteria provided, single submitter. Criteria: ACMG Guidelines, 2015. Collection method: clinical testing. Allele origin: germline.